The following is an entry in ClinVar:

NM_000256.3(MYBPC3):c.1227-3del

Gene: MYBPC3 (myosin binding protein C3; minus strand). Cytogenetic location: 11p11.2.
Variant type: Deletion.
Coding change: c.1227-3del on transcript NM_000256.3 (MANE Select); 3 bases into the intron before coding-DNA position 1227, one base deleted (C; older notation c.1227-3delC).
Molecular consequence: intron variant.
Genome position (GRCh38, 1-based): chr11:47,343,148, G deleted on the plus strand (C on the coding strand, the reverse complement: MYBPC3 is on the minus strand); the first of 3 consecutive G bases (chr11:47,343,148-47,343,150); deleting any one gives the same sequence. VCF-style (leftmost placement, unchanged base first): chr11-47343147-TG-T. GRCh37 (hg19) VCF-style: chr11-47364698-TG-T.
Other names: c.1227-3delC (NM_000256.3).
Identifiers: ClinVar variation 1054743 (VCV001054743.10), dbSNP rs2142861804, ClinGen allele CA2499220977.
Genomic context (GRCh38, chr11:47,343,147, plus strand): 5'-CCAATGAGCACTGGCTGATGGTCAGGGTACGCTTGGCACCGATGGACTCAAAGATGTACC[TG>T]GGTGGGGGCCGCAGGGAAGTGGCAGGAAAGCTGCGGACACCCCTCCGGGCCCAGTGCGCC-3'

ClinVar aggregate classification (germline): Uncertain significance. Review status: criteria provided, multiple submitters, no conflicts (2 of 4 stars). 2 submissions from 2 submitters: Uncertain significance (2). Last evaluated 2024-07-15.

Conditions:
Hypertrophic cardiomyopathy. Also called: HYPERTROPHIC MYOCARDIOPATHY. Identifiers: Orphanet 217569, MedGen C0007194, MeSH D002312, MONDO:0005045, HP:0001639.
Cardiovascular phenotype. Identifiers: MedGen CN230736.

Submissions (2):

Labcorp Genetics (formerly Invitae), Labcorp
Classification: Uncertain significance for Hypertrophic cardiomyopathy. Last evaluated: 2024-07-15. Review status: criteria provided, single submitter. Criteria: Invitae Variant Classification Sherloc (09022015). Collection method: clinical testing. Allele origin: germline.
Comment: This sequence change falls in intron 14 of the MYBPC3 gene. It does not directly change the encoded amino acid sequence of the MYBPC3 protein. It affects a nucleotide within the consensus splice site. This variant is not present in population databases (gnomAD no frequency). This variant has not been reported in the literature in individuals affected with MYBPC3-related conditions. ClinVar contains an entry for this variant (Variation ID: 1054743). Variants that disrupt the consensus splice site are a relatively common cause of aberrant splicing (PMID: 17576681, 9536098). Algorithms developed to predict the effect of sequence changes on RNA splicing suggest that this variant is not likely to affect RNA splicing. In summary, the available evidence is currently insufficient to determine the role of this variant in disease. Therefore, it has been classified as a Variant of Uncertain Significance.

Ambry Genetics
Classification: Uncertain significance for Cardiovascular phenotype. Last evaluated: 2023-11-01. Review status: criteria provided, single submitter. Criteria: Ambry Variant Classification Scheme 2023. Collection method: clinical testing. Allele origin: germline.
Comment: The c.1227-3delC intronic variant, located in intron 14 of the MYBPC3 gene, results from a deletion of one nucleotide within intron 14 of the MYBPC3 gene. This nucleotide position is well conserved in available vertebrate species. In silico splice site analysis predicts that this alteration will not have any significant effect on splicing. Since supporting evidence is limited at this time, the clinical significance of this alteration remains unclear.

Literature cited by the submitters: PubMed 17576681 (cited by Labcorp Genetics (formerly Invitae), Labcorp); PubMed 9536098 (cited by Labcorp Genetics (formerly Invitae), Labcorp).